The following is an entry in ClinVar:

ClinVar aggregate classification (germline): Uncertain significance. Review status: criteria provided, multiple submitters, no conflicts (2 of 4 stars). 6 submissions from 4 submitters: Uncertain significance (5). 1 of the submissions does not count toward it. Last evaluated 2025-05-26.

Conditions:
Autosomal recessive nonsyndromic hearing loss 2. Also called: NEUROSENSORY NONSYNDROMIC RECESSIVE DEAFNESS 2; DEAFNESS, AUTOSOMAL RECESSIVE 2. Identifiers: Orphanet 90636, MedGen C1838701, MONDO:0010807, OMIM 600060.
Usher syndrome type 1B (USH1B). Also called: Usher syndrome type IB. Identifiers: MedGen C1848638, MONDO:0700087.
Usher syndrome type 1 (USH1). Also called: RETINITIS PIGMENTOSA AND CONGENITAL DEAFNESS. Identifiers: Orphanet 231169, Orphanet 886, MedGen C1568247, MONDO:0010168, OMIM 276900.
Autosomal dominant nonsyndromic hearing loss 11. Identifiers: Orphanet 90635, MedGen C1832475, MONDO:0011032, OMIM 601317.

Allele frequency attached by ClinVar (database versions not stated): gnomAD 0.00005; TOPMed 0.00006; gnomAD exomes 0.00007 and 0.00008; ExAC 0.00012.
gnomAD v4.1: 124 of 1,579,984 alleles (0.0078%); highest among the groups gnomAD compares: Non-Finnish European, 0.01%; no homozygotes.

Submissions (6):

Labcorp Genetics (formerly Invitae), Labcorp
Classification: Uncertain significance. Last evaluated: 2025-05-26. Review status: criteria provided, single submitter. Criteria: Invitae Variant Classification Sherloc (09022015). Collection method: clinical testing. Allele origin: germline.
Comment: This sequence change replaces serine, which is neutral and polar, with phenylalanine, which is neutral and non-polar, at codon 2211 of the MYO7A protein (p.Ser2211Phe). This variant is present in population databases (rs373957005, gnomAD 0.01%). This variant has not been reported in the literature in individuals affected with MYO7A-related conditions. ClinVar contains an entry for this variant (Variation ID: 881039). Invitae Evidence Modeling of protein sequence and biophysical properties (such as structural, functional, and spatial information, amino acid conservation, physicochemical variation, residue mobility, and thermodynamic stability) indicates that this missense variant is not expected to disrupt MYO7A protein function with a negative predictive value of 95%. In summary, the available evidence is currently insufficient to determine the role of this variant in disease. Therefore, it has been classified as a Variant of Uncertain Significance.

Blueprint Genetics
Classification: Uncertain significance. Last evaluated: 2024-09-14. Review status: criteria provided, single submitter. Criteria: ACMG Guidelines, 2015. Collection method: clinical testing. Allele origin: germline.

Illumina Laboratory Services, Illumina
Classification: Uncertain significance for Autosomal recessive nonsyndromic hearing loss 2. Last evaluated: 2018-01-13. Review status: criteria provided, single submitter. Criteria: ICSL Variant Classification Criteria 13 December 2019. Collection method: clinical testing. Allele origin: germline.

Illumina Laboratory Services, Illumina
Classification: Uncertain significance for Usher syndrome type 1. Last evaluated: 2018-01-13. Review status: criteria provided, single submitter. Criteria: ICSL Variant Classification Criteria 13 December 2019. Collection method: clinical testing. Allele origin: germline.

Illumina Laboratory Services, Illumina
Classification: Uncertain significance for Autosomal dominant nonsyndromic hearing loss 11. Last evaluated: 2018-01-13. Review status: criteria provided, single submitter. Criteria: ICSL Variant Classification Criteria 13 December 2019. Collection method: clinical testing. Allele origin: germline.

Natera, Inc.
Classification: Uncertain significance for Usher syndrome type 1B. Last evaluated: 2020-04-17. Review status: no assertion criteria provided. Collection method: clinical testing. Allele origin: germline. Not counted in ClinVar's aggregate classification.

NM_000260.4(MYO7A):c.6632C>T (p.Ser2211Phe)

Gene: MYO7A (myosin VIIA; plus strand). Cytogenetic location: 11q13.5.
Variant type: single nucleotide variant.
Coding change: c.6632C>T on transcript NM_000260.4 (MANE Select); coding-DNA position 6632, C replaced by T.
Protein change: p.Ser2211Phe; replaces serine 2211 with phenylalanine.
Molecular consequence: missense variant.
Genome position (GRCh38, 1-based): chr11:77,214,680, C>T. VCF-style: chr11-77214680-C-T. GRCh37 (hg19) VCF-style: chr11-76925725-C-T.
Other names: c.6512C>T, p.Ser2171Phe (NM_001127180.2); c.6485C>T, p.Ser2162Phe (NM_001369365.1); short protein forms S2211F, S2171F, S2162F.
Identifiers: ClinVar variation 881039 (VCV000881039.9), dbSNP rs373957005, ClinGen allele CA6199141.
Genomic context (GRCh38, chr11:77,214,680, plus strand): 5'-ATGACCTCCTGACTTCCTACATTAGCCAGATGCTCACAGCCATGAGCAAACAGCGGGGCT[C>T]CAGGAGCGGCAAGTGAACAGTCACGGGGAGGTGCTGGTTCCATGCCTGCTCTCGAGGCAG-3'
Protein context (NP_000251.3, residues 2201-2215): MLTAMSKQRG[Ser2211Phe]RSGK